The following is an entry in ClinVar:

NM_022489.4(INF2):c.2150G>A (p.Arg717Gln)

Gene: INF2 (inverted formin 2; plus strand). Cytogenetic location: 14q32.33.
Variant type: single nucleotide variant.
Coding change: c.2150G>A on transcript NM_022489.4 (MANE Select); coding-DNA position 2150, G replaced by A.
Protein change: p.Arg717Gln; replaces arginine 717 with glutamine.
Molecular consequence: missense variant.
Genome position (GRCh38, 1-based): chr14:104,710,099, G>A. VCF-style: chr14-104710099-G-A. GRCh37 (hg19) VCF-style: chr14-105176436-G-A.
Other names: c.2150G>A (NM_022489.3); c.2150G>A, p.Arg717Gln (NM_001031714.4); short protein forms R717Q.
Identifiers: ClinVar variation 1488828 (VCV001488828.12), dbSNP rs769493931, ClinGen allele CA7372849.

ClinVar aggregate classification (germline): Conflicting classifications of pathogenicity. Review status: criteria provided, conflicting classifications (1 of 4 stars). 3 submissions from 3 submitters: Uncertain significance (2); Likely benign (1). Last evaluated 2025-03-12.

Conditions:
Charcot-Marie-Tooth disease dominant intermediate E. Also called: CHARCOT-MARIE-TOOTH NEUROPATHY WITH FOCAL SEGMENTAL GLOMERULONEPHRITIS. Identifiers: Orphanet 93114, MedGen C4302667, MONDO:0013758, OMIM 614455.
Focal segmental glomerulosclerosis 5 (FSGS5). Identifiers: Orphanet 656, MedGen C2750475, MONDO:0013191, OMIM 613237.
INF2-related disorder. Also called: INF2-related condition.

Allele frequency attached by ClinVar (database versions not stated): TOPMed below 0.00001; gnomAD exomes 0.00001; ExAC 0.00005.

Submissions (3):

PreventionGenetics, part of Exact Sciences
Classification: Uncertain significance for INF2-related condition. Last evaluated: 2025-03-12. Review status: criteria provided, single submitter. Criteria: ACMG Guidelines, 2015. Collection method: clinical testing. Allele origin: germline.
Comment: The INF2 c.2150G>A variant is predicted to result in the amino acid substitution p.Arg717Gln. This variant was reported as a variant of uncertain significance in an individual with Charcot-Marie-Tooth disease; however, additional support for pathogenicity was not provided (Supp. Table 1, Gorukmez et al. 2023. PubMed ID: 36964972). This variant is reported in 0.0040% of alleles in individuals of Latino descent in gnomAD. At this time, the clinical significance of this variant is uncertain due to the absence of conclusive functional and genetic evidence.

Labcorp Genetics (formerly Invitae), Labcorp
Classification: Likely benign for Charcot-Marie-Tooth disease dominant intermediate E; Focal segmental glomerulosclerosis 5. Last evaluated: 2024-05-03. Review status: criteria provided, single submitter. Criteria: Invitae Variant Classification Sherloc (09022015). Collection method: clinical testing. Allele origin: germline.

Revvity Omics, Revvity
Classification: Uncertain significance. Last evaluated: 2021-11-22. Review status: criteria provided, single submitter. Criteria: ACMG Guidelines, 2015. Collection method: clinical testing. Allele origin: germline.